The following is an entry in ClinVar:

ClinVar aggregate classification (germline): Uncertain significance. Review status: criteria provided, multiple submitters, no conflicts (2 of 4 stars). 2 submissions from 2 submitters: Uncertain significance (2). Last evaluated 2025-12-15.

Allele frequency attached by ClinVar (database versions not stated): gnomAD 0.00001.
gnomAD v4.1: 1 of 1,613,746 alleles (0.000062%); highest among the groups gnomAD compares: East Asian, 0.0022%; no homozygotes.

Submissions (2):

Labcorp Genetics (formerly Invitae), Labcorp
Classification: Uncertain significance. Last evaluated: 2025-12-15. Review status: criteria provided, single submitter. Criteria: Invitae Variant Classification Sherloc (09022015). Collection method: clinical testing. Allele origin: germline.
Comment: This sequence change replaces methionine, which is neutral and non-polar, with valine, which is neutral and non-polar, at codon 385 of the CDH2 protein (p.Met385Val). The frequency data for this variant in the population databases is considered unreliable, as metrics indicate poor data quality at this position in the gnomAD database. This variant has not been reported in the literature in individuals affected with CDH2-related conditions. ClinVar contains an entry for this variant (Variation ID: 2499373). An algorithm developed to predict the effect of missense changes on protein structure and function (PolyPhen-2) suggests that this variant is likely to be tolerated. In summary, the available evidence is currently insufficient to determine the role of this variant in disease. Therefore, it has been classified as a Variant of Uncertain Significance.

GeneDx
Classification: Uncertain significance. Last evaluated: 2022-10-14. Review status: criteria provided, single submitter. Criteria: GeneDx Variant Classification Process June 2021. Collection method: clinical testing. Allele origin: germline. Affected: yes.
Comment: In silico analysis supports that this missense variant does not alter protein structure/function; Has not been previously published as pathogenic or benign to our knowledge

NM_001792.5(CDH2):c.1153A>G (p.Met385Val)

Gene: CDH2 (cadherin 2; minus strand). Cytogenetic location: 18q12.1.
Variant type: single nucleotide variant.
Coding change: c.1153A>G on transcript NM_001792.5 (MANE Select); coding-DNA position 1153, A replaced by G.
Protein change: p.Met385Val; replaces methionine 385 with valine.
Molecular consequence: missense variant.
Genome position (GRCh38, 1-based): chr18:27,993,505, T>C on the plus strand (A>G on the coding strand, the complement: CDH2 is on the minus strand). VCF-style: chr18-27993505-T-C. GRCh37 (hg19) VCF-style: chr18-25573469-T-C.
Other names: c.1060A>G, p.Met354Val (NM_001308176.2); short protein forms M354V, M385V.
Identifiers: ClinVar variation 2499373 (VCV002499373.2), dbSNP rs1397542114, ClinGen allele CA402111397.